The following is an entry in ClinVar:

NM_002087.4(GRN):c.1138C>G (p.Gln380Glu)

Gene: GRN (granulin precursor; plus strand). Cytogenetic location: 17q21.31.
Variant type: single nucleotide variant.
Coding change: c.1138C>G on transcript NM_002087.4 (MANE Select); coding-DNA position 1138, C replaced by G.
Protein change: p.Gln380Glu; replaces glutamine 380 with glutamic acid.
Molecular consequence: missense variant.
Genome position (GRCh38, 1-based): chr17:44,351,754, C>G. VCF-style: chr17-44351754-C-G. GRCh37 (hg19) VCF-style: chr17-42429122-C-G.
Other names: short protein forms Q380E.
Identifiers: ClinVar variation 1058024 (VCV001058024.9), dbSNP rs748829798, ClinGen allele CA8602107.
Genomic context (GRCh38, chr17:44,351,754, plus strand): 5'-TTGAAGAGAGATGTCCCCTGTGATAATGTCAGCAGCTGTCCCTCCTCCGATACCTGCTGC[C>G]AACTCACGTCTGGGGAGTGGGGCTGCTGTCCAATCCCAGAGGTATATGGGAGGGGACAGC-3'
Protein context (NP_002078.1, residues 370-390): SSCPSSDTCC[Gln380Glu]LTSGEWGCCP

ClinVar aggregate classification (germline): Uncertain significance (1 of 4 stars; one submission).

Conditions:
GRN-related frontotemporal lobar degeneration with Tdp43 inclusions (FTD2). Also called: DEMENTIA, HEREDITARY DYSPHASIC DISINHIBITION; FRONTOTEMPORAL LOBAR DEGENERATION WITH UBIQUITIN-POSITIVE INCLUSIONS; FTLD-TDP, GRN-RELATED; GRN Frontotemporal Dementia; FRONTOTEMPORAL DEMENTIA WITH TDP43 INCLUSIONS, GRN-RELATED. Identifiers: Orphanet 100070, Orphanet 282, MedGen C1843792, MONDO:0011842, OMIM 607485. Disease mechanism: loss of function.
Neuronal ceroid lipofuscinosis 11. Also called: GRN-Related Neuronal Ceroid-Lipofuscinosis. Identifiers: Orphanet 314629, Orphanet 79262, MedGen C3539123, MONDO:0013866, OMIM 614706.

Allele frequency attached by ClinVar (database versions not stated): gnomAD 0.00001; gnomAD exomes 0.00001 and 0.00003; ExAC 0.00002; TOPMed 0.00002.

Submission:

Labcorp Genetics (formerly Invitae), Labcorp
Classification: Uncertain significance for Neuronal ceroid lipofuscinosis 11; GRN-related frontotemporal lobar degeneration with Tdp43 inclusions. Last evaluated: 2020-12-14. Review status: criteria provided, single submitter. Criteria: Invitae Variant Classification Sherloc (09022015). Collection method: clinical testing. Allele origin: germline.
Comment: In summary, the available evidence is currently insufficient to determine the role of this variant in disease. Therefore, it has been classified as a Variant of Uncertain Significance. Algorithms developed to predict the effect of missense changes on protein structure and function (SIFT, PolyPhen-2, Align-GVGD) all suggest that this variant is likely to be tolerated, but these predictions have not been confirmed by published functional studies and their clinical significance is uncertain. This variant has been observed in individual(s) with clinical features of frontotemporal dementia (FTD) (PMID: 24387985, Invitae). This variant is present in population databases (rs748829798, ExAC 0.02%). This sequence change replaces glutamine with glutamic acid at codon 380 of the GRN protein (p.Gln380Glu). The glutamine residue is weakly conserved and there is a small physicochemical difference between glutamine and glutamic acid.

Literature cited by the submitters: PubMed 24387985.